The following is an entry in ClinVar:

ClinVar aggregate classification (germline): Uncertain significance. Review status: criteria provided, multiple submitters, no conflicts (2 of 4 stars). 2 submissions from 2 submitters: Uncertain significance (2). Last evaluated 2026-06-07.

Allele frequency attached by ClinVar (database versions not stated): TOPMed 0.00001; gnomAD exomes 0.00002; ExAC 0.00003.

Submissions (2):

Revvity Omics, Revvity
Classification: Uncertain significance. Last evaluated: 2026-06-07. Review status: criteria provided, single submitter. Criteria: ACMG Guidelines, 2015. Collection method: clinical testing. Allele origin: germline.

Labcorp Genetics (formerly Invitae), Labcorp
Classification: Uncertain significance. Last evaluated: 2025-10-25. Review status: criteria provided, single submitter. Criteria: Invitae Variant Classification Sherloc (09022015). Collection method: clinical testing. Allele origin: germline.
Comment: This sequence change replaces arginine, which is basic and polar, with tryptophan, which is neutral and slightly polar, at codon 820 of the CNNM2 protein (p.Arg820Trp). This variant is present in population databases (rs773903488, gnomAD 0.01%). This variant has not been reported in the literature in individuals affected with CNNM2-related conditions. ClinVar contains an entry for this variant (Variation ID: 1921622). Invitae Evidence Modeling of protein sequence and biophysical properties (such as structural, functional, and spatial information, amino acid conservation, physicochemical variation, residue mobility, and thermodynamic stability) has been performed for this missense variant. However, the output from this modeling did not meet the statistical confidence thresholds required to predict the impact of this variant on CNNM2 protein function. In summary, the available evidence is currently insufficient to determine the role of this variant in disease. Therefore, it has been classified as a Variant of Uncertain Significance.

NM_017649.5(CNNM2):c.2458C>T (p.Arg820Trp)

Gene: CNNM2 (cyclin and CBS domain divalent metal cation transport mediator 2; plus strand). Cytogenetic location: 10q24.32.
Variant type: single nucleotide variant.
Coding change: c.2458C>T on transcript NM_017649.5 (MANE Select); coding-DNA position 2458, C replaced by T.
Protein change: p.Arg820Trp; replaces arginine 820 with tryptophan.
Molecular consequence: missense variant.
Genome position (GRCh38, 1-based): chr10:103,077,010, C>T. VCF-style: chr10-103077010-C-T. GRCh37 (hg19) VCF-style: chr10-104836767-C-T.
Other names: c.2392C>T, p.Arg798Trp (NM_199076.3); short protein forms R820W, R798W.
Identifiers: ClinVar variation 1921622 (VCV001921622.6), dbSNP rs773903488, ClinGen allele CA5670630.